The following is an entry in ClinVar:

NM_006231.4(POLE):c.1021-13G>A

Gene: POLE (DNA polymerase epsilon, catalytic subunit; minus strand). Cytogenetic location: 12q24.33.
Variant type: single nucleotide variant.
Coding change: c.1021-13G>A on transcript NM_006231.4 (MANE Select); 13 bases into the intron before coding-DNA position 1021, G replaced by A.
Molecular consequence: intron variant.
Genome position (GRCh38, 1-based): chr12:132,675,833, C>T on the plus strand (G>A on the coding strand, the complement: POLE is on the minus strand). VCF-style: chr12-132675833-C-T. GRCh37 (hg19) VCF-style: chr12-133252419-C-T.
Identifiers: ClinVar variation 3904202 (VCV003904202.1).
Genomic context (GRCh38, chr12:132,675,833, plus strand): 5'-GGGTTTGGTCTCCTGGACGTGTTCAAACCACCTTTGGATCAGATGAGCCTGAACCCAAGT[C>T]ACAGCAGTCAGAGGTCTGCTCTTTCTCTTCTTCAAGCTATTCCAAATTCCTCTCCCAAAG-3'

ClinVar aggregate classification (germline): Likely benign (1 of 4 stars; one submission).

Conditions:
Colorectal cancer, susceptibility to, 12 (CRCS12). Also called: COLORECTAL CANCER, SUSCEPTIBILITY TO, ON CHROMOSOME 12q24. Identifiers: Orphanet 220460, MedGen C3554460, MONDO:0014038, OMIM 615083.

Submission:

Myriad Genetics, Inc.
Classification: Likely benign for Colorectal cancer, susceptibility to, 12. Last evaluated: 2025-02-10. Review status: criteria provided, single submitter. Criteria: Myriad Autosomal Dominant, Autosomal Recessive and X-Linked Classification Criteria (2023). Collection method: clinical testing. Allele origin: unknown.
Comment: This variant is considered likely benign. This variant is intronic and is not expected to impact mRNA splicing.